The following is an entry in ClinVar:

ClinVar aggregate classification (germline): Conflicting classifications of pathogenicity. Review status: criteria provided, conflicting classifications (1 of 4 stars). 4 submissions from 4 submitters: Uncertain significance (3); Likely benign (1). Last evaluated 2025-02-23.

Conditions:
Developmental and epileptic encephalopathy, 64. Also called: EPILEPTIC ENCEPHALOPATHY, EARLY INFANTILE, 64. Identifiers: MedGen C4693899, MONDO:0033373, OMIM 618004.
Inborn genetic diseases. Identifiers: MedGen C0950123, MeSH D030342.

Allele frequency attached by ClinVar (database versions not stated): gnomAD exomes 0.00003 and 0.00001; ExAC 0.00002; TOPMed 0.00001.
gnomAD v4.1: 18 of 1,613,634 alleles (0.0011%); highest among the groups gnomAD compares: East Asian, 0.0067%; no homozygotes.

Submissions (4):

Labcorp Genetics (formerly Invitae), Labcorp
Classification: Uncertain significance. Last evaluated: 2025-02-23. Review status: criteria provided, single submitter. Criteria: Invitae Variant Classification Sherloc (09022015). Collection method: clinical testing. Allele origin: germline.
Comment: This sequence change replaces valine, which is neutral and non-polar, with methionine, which is neutral and non-polar, at codon 369 of the RHOBTB2 protein (p.Val369Met). This variant is present in population databases (rs762216794, gnomAD 0.01%). This variant has not been reported in the literature in individuals affected with RHOBTB2-related conditions. ClinVar contains an entry for this variant (Variation ID: 1341816). Invitae Evidence Modeling of protein sequence and biophysical properties (such as structural, functional, and spatial information, amino acid conservation, physicochemical variation, residue mobility, and thermodynamic stability) indicates that this missense variant is not expected to disrupt RHOBTB2 protein function with a negative predictive value of 80%. In summary, the available evidence is currently insufficient to determine the role of this variant in disease. Therefore, it has been classified as a Variant of Uncertain Significance.

Ambry Genetics
Classification: Likely benign for Inborn genetic diseases. Last evaluated: 2023-08-23. Review status: criteria provided, single submitter. Criteria: Ambry Variant Classification Scheme 2023. Collection method: clinical testing. Allele origin: germline.

New York Genome Center
Classification: Uncertain significance for Developmental and epileptic encephalopathy, 64. Last evaluated: 2021-01-29. Review status: criteria provided, single submitter. Criteria: NYGC Assertion Criteria 2020. Collection method: clinical testing. Allele origin: inherited. Observed: 1 heterozygote. Study: CSER-NYCKidSeq.

Revvity Omics, Revvity
Classification: Uncertain significance for Developmental and epileptic encephalopathy, 64. Last evaluated: 2020-11-03. Review status: criteria provided, single submitter. Criteria: ACMG Guidelines, 2015. Collection method: clinical testing. Allele origin: germline.

Literature cited by the submitters: PubMed 28518168 (cited by Ambry Genetics); PubMed 32461654 (cited by Ambry Genetics).

NM_015178.3(RHOBTB2):c.1039G>A (p.Val347Met)

Gene: RHOBTB2 (Rho related BTB domain containing 2; plus strand). Cytogenetic location: 8p21.3.
Variant type: single nucleotide variant.
Coding change: c.1039G>A on transcript NM_015178.3 (MANE Select); coding-DNA position 1039, G replaced by A.
Protein change: p.Val347Met; replaces valine 347 with methionine.
Molecular consequence: missense variant.
Genome position (GRCh38, 1-based): chr8:23,007,284, G>A. VCF-style: chr8-23007284-G-A. GRCh37 (hg19) VCF-style: chr8-22864797-G-A.
Other names: c.1105G>A, p.Val369Met (NM_001160036.2); c.1060G>A, p.Val354Met (NM_001160037.2); c.1039G>A, p.Val347Met (NM_001374791.1); c.1105G>A (NM_001160036.1); short protein forms V347M, V354M, V369M.
Identifiers: ClinVar variation 1341816 (VCV001341816.10), dbSNP rs762216794, ClinGen allele CA4672590.
Genomic context (GRCh38, chr8:23,007,284, plus strand): 5'-CACCACCATCACCACCACCACCATGGGCGAGACTTCCTGCTCCGAGCAGCCAGCTTTGAC[G>A]TGTGCGAGAGCGTGGATGAGGCTGGGGGCTCCGGTCCTGCTGGCCTCCGTGCTTCCACCA-3'
Protein context (NP_055993.2, residues 337-357): DFLLRAASFD[Val347Met]CESVDEAGGS